The following is an entry in ClinVar:

ClinVar aggregate classification (germline): Uncertain significance (1 of 4 stars; one submission).

Allele frequency attached by ClinVar (database versions not stated): gnomAD exomes below 0.00001 and 0.00001.
gnomAD v4.1: 2 of 1,613,936 alleles (0.00012%); highest among the groups gnomAD compares: Non-Finnish European, 0.00017%; no homozygotes.

Submission:

Labcorp Genetics (formerly Invitae), Labcorp
Classification: Uncertain significance. Last evaluated: 2021-04-03. Review status: criteria provided, single submitter. Criteria: Invitae Variant Classification Sherloc (09022015). Collection method: clinical testing. Allele origin: germline.
Comment: This sequence change replaces proline with leucine at codon 423 of the MAK protein (p.Pro423Leu). The proline residue is moderately conserved and there is a moderate physicochemical difference between proline and leucine. This variant is not present in population databases (ExAC no frequency). This variant has not been reported in the literature in individuals with MAK-related conditions. Experimental studies and prediction algorithms are not available or were not evaluated, and the functional significance of this variant is currently unknown. In summary, the available evidence is currently insufficient to determine the role of this variant in disease. Therefore, it has been classified as a Variant of Uncertain Significance.

NM_001242957.3(MAK):c.1268C>T (p.Pro423Leu)

Gene: MAK (male germ cell associated kinase; minus strand). Cytogenetic location: 6p24.2.
Variant type: single nucleotide variant.
Coding change: c.1268C>T on transcript NM_001242957.3 (MANE Select); coding-DNA position 1268, C replaced by T.
Protein change: p.Pro423Leu; replaces proline 423 with leucine.
Molecular consequence: missense variant. On other transcripts: non-coding transcript variant (2).
Genome position (GRCh38, 1-based): chr6:10,791,723, G>A on the plus strand (C>T on the coding strand, the complement: MAK is on the minus strand). VCF-style: chr6-10791723-G-A. GRCh37 (hg19) VCF-style: chr6-10791956-G-A.
Other names: c.1268C>T, p.Pro423Leu (NM_001242385.2, NM_005906.6); c.1166C>T, p.Pro389Leu (NM_001377262.1); short protein forms P389L, P423L.
Identifiers: ClinVar variation 1480792 (VCV001480792.3), dbSNP rs1226334213, ClinGen allele CA362718420.